The following is an entry in ClinVar:

NM_001846.4(COL4A2):c.1796C>T (p.Pro599Leu)

Gene: COL4A2 (collagen type IV alpha 2 chain; plus strand). Cytogenetic location: 13q34.
Variant type: single nucleotide variant.
Coding change: c.1796C>T on transcript NM_001846.4 (MANE Select); coding-DNA position 1796, C replaced by T.
Protein change: p.Pro599Leu; replaces proline 599 with leucine.
Molecular consequence: missense variant.
Genome position (GRCh38, 1-based): chr13:110,465,424, C>T. VCF-style: chr13-110465424-C-T. GRCh37 (hg19) VCF-style: chr13-111117771-C-T.
Other names: short protein forms P599L.
Identifiers: ClinVar variation 4775599 (VCV004775599.1).

ClinVar aggregate classification (germline): Uncertain significance (1 of 4 stars; one submission).

gnomAD v4.1: 2 of 1,612,868 alleles (0.00012%); highest among the groups gnomAD compares: Admixed American, 0.0017%; no homozygotes.

Submission:

Labcorp Genetics (formerly Invitae), Labcorp
Classification: Uncertain significance. Last evaluated: 2025-04-14. Review status: criteria provided, single submitter. Criteria: Invitae Variant Classification Sherloc (09022015). Collection method: clinical testing. Allele origin: germline.
Comment: This sequence change replaces proline, which is neutral and non-polar, with leucine, which is neutral and non-polar, at codon 599 of the COL4A2 protein (p.Pro599Leu). This variant is not present in population databases (gnomAD no frequency). This variant has not been reported in the literature in individuals affected with COL4A2-related conditions. Invitae Evidence Modeling of protein sequence and biophysical properties (such as structural, functional, and spatial information, amino acid conservation, physicochemical variation, residue mobility, and thermodynamic stability) indicates that this missense variant is not expected to disrupt COL4A2 protein function with a negative predictive value of 95%. In summary, the available evidence is currently insufficient to determine the role of this variant in disease. Therefore, it has been classified as a Variant of Uncertain Significance.